The following is an entry in ClinVar:

NM_001128840.3(CACNA1D):c.4561T>G (p.Leu1521Val)

Gene: CACNA1D (calcium voltage-gated channel subunit alpha1 D; plus strand). Cytogenetic location: 3p21.1.
Variant type: single nucleotide variant.
Coding change: c.4561T>G on transcript NM_001128840.3 (MANE Select); coding-DNA position 4561, T replaced by G.
Protein change: p.Leu1521Val; replaces leucine 1521 with valine.
Molecular consequence: missense variant.
Genome position (GRCh38, 1-based): chr3:53,776,930, T>G. VCF-style: chr3-53776930-T-G. GRCh37 (hg19) VCF-style: chr3-53810957-T-G.
Other names: c.4621T>G, p.Leu1541Val (NM_000720.4); c.4516T>G, p.Leu1506Val (NM_001128839.3); short protein forms L1521V, L1541V, L1506V.
Identifiers: ClinVar variation 2838599 (VCV002838599.3), dbSNP rs2474257740, ClinGen allele CA353243931.

ClinVar aggregate classification (germline): Uncertain significance (1 of 4 stars; one submission).

Submission:

Labcorp Genetics (formerly Invitae), Labcorp
Classification: Uncertain significance. Last evaluated: 2023-02-18. Review status: criteria provided, single submitter. Criteria: Invitae Variant Classification Sherloc (09022015). Collection method: clinical testing. Allele origin: germline.
Comment: In summary, the available evidence is currently insufficient to determine the role of this variant in disease. Therefore, it has been classified as a Variant of Uncertain Significance. Algorithms developed to predict the effect of sequence changes on RNA splicing suggest that this variant may disrupt the consensus splice site. Advanced modeling of protein sequence and biophysical properties (such as structural, functional, and spatial information, amino acid conservation, physicochemical variation, residue mobility, and thermodynamic stability) performed at Invitae indicates that this missense variant is expected to disrupt CACNA1D protein function. This variant has not been reported in the literature in individuals affected with CACNA1D-related conditions. This variant is not present in population databases (gnomAD no frequency). This sequence change replaces leucine, which is neutral and non-polar, with valine, which is neutral and non-polar, at codon 1541 of the CACNA1D protein (p.Leu1541Val).